The following is an entry in ClinVar:

NM_000497.4(CYP11B1):c.1328T>C (p.Phe443Ser)

Genes: CYP11B1 (cytochrome P450 family 11 subfamily B member 1; minus strand), LOC106799833 (CYP11B1 recombination region; plus strand). Cytogenetic location: 8q24.3.
Variant type: single nucleotide variant.
Coding change: c.1328T>C on transcript NM_000497.4 (MANE Select); coding-DNA position 1328, T replaced by C.
Protein change: p.Phe443Ser; replaces phenylalanine 443 with serine.
Molecular consequence: missense variant. On other transcripts: intron variant (1).
Genome position (GRCh38, 1-based): chr8:142,875,027, A>G on the plus strand (T>C on the coding strand, the complement: CYP11B1 is on the minus strand). VCF-style: chr8-142875027-A-G. GRCh37 (hg19) VCF-style: chr8-143956443-A-G.
Other names: c.1200+207T>C (NM_001026213.1); short protein forms F443S.
Identifiers: ClinVar variation 585759 (VCV000585759.2), dbSNP rs1563867943, ClinGen allele CA372391487.

ClinVar aggregate classification (germline): Uncertain significance. Review status: criteria provided, multiple submitters, no conflicts (2 of 4 stars). 2 submissions from 2 submitters: Uncertain significance (2). Last evaluated 2026-07-01.

Submissions (2):

CeGaT Center for Human Genetics Tuebingen
Classification: Uncertain significance. Last evaluated: 2026-07-01. Review status: criteria provided, single submitter. Criteria: CeGaT Center For Human Genetics Tuebingen Variant Classification Criteria Version 2. Collection method: clinical testing. Allele origin: germline. Affected: yes. Observed: 1 variant allele.
Comment: CYP11B1: PM2, PP3

Athena Diagnostics
Classification: Uncertain significance. Last evaluated: 2018-06-19. Review status: criteria provided, single submitter. Criteria: Athena Diagnostics Criteria. Collection method: clinical testing. Allele origin: germline.